The following is an entry in ClinVar:

ClinVar aggregate classification (germline): Uncertain significance (1 of 4 stars; one submission).

Conditions:
Noonan syndrome 9 (NS9). Identifiers: Orphanet 648, MedGen C4225282, MONDO:0014691, OMIM 616559.

Submission:

Labcorp Genetics (formerly Invitae), Labcorp
Classification: Uncertain significance for Noonan syndrome 9. Last evaluated: 2023-10-24. Review status: criteria provided, single submitter. Criteria: Invitae Variant Classification Sherloc (09022015). Collection method: clinical testing. Allele origin: germline.
Comment: This sequence change replaces tyrosine, which is neutral and polar, with cysteine, which is neutral and slightly polar, at codon 613 of the SOS2 protein (p.Tyr613Cys). This variant is not present in population databases (gnomAD no frequency). This variant has not been reported in the literature in individuals affected with SOS2-related conditions. Advanced modeling of protein sequence and biophysical properties (such as structural, functional, and spatial information, amino acid conservation, physicochemical variation, residue mobility, and thermodynamic stability) performed at Invitae indicates that this missense variant is expected to disrupt SOS2 protein function with a positive predictive value of 80%. In summary, the available evidence is currently insufficient to determine the role of this variant in disease. Therefore, it has been classified as a Variant of Uncertain Significance.

NM_006939.4(SOS2):c.1838A>G (p.Tyr613Cys)

Gene: SOS2 (SOS Ras/Rho guanine nucleotide exchange factor 2; minus strand). Cytogenetic location: 14q21.3.
Variant type: single nucleotide variant.
Coding change: c.1838A>G on transcript NM_006939.4 (MANE Select); coding-DNA position 1838, A replaced by G.
Protein change: p.Tyr613Cys; replaces tyrosine 613 with cysteine.
Molecular consequence: missense variant.
Genome position (GRCh38, 1-based): chr14:50,159,445, T>C on the plus strand (A>G on the coding strand, the complement: SOS2 is on the minus strand). VCF-style: chr14-50159445-T-C. GRCh37 (hg19) VCF-style: chr14-50626163-T-C.
Other names: c.1739A>G, p.Tyr580Cys (NM_001411020.1); short protein forms Y580C, Y613C.
Identifiers: ClinVar variation 2771517 (VCV002771517.3), dbSNP rs2502987694, ClinGen allele CA389644856.